The following is an entry in ClinVar:

NM_000069.3(CACNA1S):c.871A>G (p.Met291Val)

Gene: CACNA1S (calcium voltage-gated channel subunit alpha1 S; minus strand). Cytogenetic location: 1q32.1.
Variant type: single nucleotide variant.
Coding change: c.871A>G on transcript NM_000069.3 (MANE Select); coding-DNA position 871, A replaced by G.
Protein change: p.Met291Val; replaces methionine 291 with valine.
Molecular consequence: missense variant.
Genome position (GRCh38, 1-based): chr1:201,089,287, T>C on the plus strand (A>G on the coding strand, the complement: CACNA1S is on the minus strand). VCF-style: chr1-201089287-T-C. GRCh37 (hg19) VCF-style: chr1-201058415-T-C.
Other names: short protein forms M291V.
Identifiers: ClinVar variation 2191527 (VCV002191527.3), dbSNP rs1662141627, ClinGen allele CA344134598.

ClinVar aggregate classification (germline): Uncertain significance. Review status: criteria provided, multiple submitters, no conflicts (2 of 4 stars). 3 submissions from 3 submitters: Uncertain significance (3). Last evaluated 2025-05-25.

Conditions:
Malignant hyperthermia, susceptibility to, 5 (MHS5). Also called: CACNA1S-Related Malignant Hyperthermia Susceptibility. Identifiers: Orphanet 423, MedGen C1866077, MONDO:0011163, OMIM 601887.
Hypokalemic periodic paralysis, type 1. Also called: HypoPP; Hypokalemic Periodic Paralysis Type 1 (AD). Identifiers: Orphanet 681, MedGen C3714580, MONDO:0042979, OMIM 170400.

Allele frequency attached by ClinVar (database versions not stated): gnomAD 0.00001.
gnomAD v4.1: 1 of 1,614,080 alleles (0.000062%); highest among the groups gnomAD compares: Non-Finnish European, 0.000085%; no homozygotes.

Submissions (3):

Color Diagnostics, LLC DBA Color Health
Classification: Uncertain significance for Malignant hyperthermia, susceptibility to, 5. Last evaluated: 2025-05-25. Review status: criteria provided, single submitter. Criteria: ACMG Guidelines, 2015. Collection method: clinical testing. Allele origin: germline.
Comment: This missense variant replaces methionine with valine at codon 291 of the CACNA1S protein. Computational prediction suggests that this variant may have deleterious impact on protein structure and function. To our knowledge, functional studies have not been reported for this variant. This variant has not been reported in individuals affected with CACNA1S-related disorders in the literature. This variant has not been identified in the general population by the Genome Aggregation Database (gnomAD). The available evidence is insufficient to determine the role of this variant in disease conclusively. Therefore, this variant is classified as a Variant of Uncertain Significance.

All of Us Research Program, National Institutes of Health
Classification: Uncertain significance for Malignant hyperthermia, susceptibility to, 5. Last evaluated: 2023-10-02. Review status: criteria provided, single submitter. Criteria: ACMG Guidelines, 2015. Collection method: clinical testing. Allele origin: germline. Inheritance: Autosomal dominant inheritance. Observed: 1 variant allele, 1 heterozygote.
Comment: This missense variant replaces methionine with valine at codon 291 of the CACNA1S protein. Computational prediction suggests that this variant may have deleterious impact on protein structure and function (internally defined REVEL score threshold >= 0.7, PMID: 27666373). To our knowledge, functional studies have not been reported for this variant. This variant has not been reported in individuals affected with CACNA1S-related disorders in the literature. This variant has not been identified in the general population by the Genome Aggregation Database (gnomAD). The available evidence is insufficient to determine the role of this variant in disease conclusively. Therefore, this variant is classified as a Variant of Uncertain Significance.

This study involves interpretation of variants in research participants for the purpose of population health screening. Participant phenotype was not available at the time of variant classification. Additional details can be found in publication PMID: 35346344, PMCID: PMC8962531

Labcorp Genetics (formerly Invitae), Labcorp
Classification: Uncertain significance for Hypokalemic periodic paralysis, type 1; Malignant hyperthermia, susceptibility to, 5. Last evaluated: 2022-05-17. Review status: criteria provided, single submitter. Criteria: Invitae Variant Classification Sherloc (09022015). Collection method: clinical testing. Allele origin: germline.
Comment: This sequence change replaces methionine, which is neutral and non-polar, with valine, which is neutral and non-polar, at codon 291 of the CACNA1S protein (p.Met291Val). This variant is not present in population databases (gnomAD no frequency). This variant has not been reported in the literature in individuals affected with CACNA1S-related conditions. Algorithms developed to predict the effect of missense changes on protein structure and function (SIFT, PolyPhen-2, Align-GVGD) all suggest that this variant is likely to be tolerated. In summary, the available evidence is currently insufficient to determine the role of this variant in disease. Therefore, it has been classified as a Variant of Uncertain Significance.